The following is an entry in ClinVar:

NM_152416.4(NDUFAF6):c.37T>C (p.Leu13=)

Genes: NDUFAF6 (NADH:ubiquinone oxidoreductase complex assembly factor 6; plus strand), LOC113788297 (Sharpr-MPRA regulatory region 2014; plus strand). Cytogenetic location: 8q22.1.
Variant type: single nucleotide variant.
Coding change: c.37T>C on transcript NM_152416.4 (MANE Select); coding-DNA position 37, T replaced by C.
Protein change: p.Leu13=; no amino-acid change (leucine 13 retained).
Molecular consequence: synonymous variant. On other transcripts: 5 prime UTR variant (12), non-coding transcript variant (6), intron variant (7).
Genome position (GRCh38, 1-based): chr8:95,025,045, T>C. VCF-style: chr8-95025045-T-C. GRCh37 (hg19) VCF-style: chr8-96037273-T-C.
Other names: c.-244T>C (NM_001330582.2, NM_001354521.2); c.-197T>C (NM_001354517.2); c.-416T>C (NM_001354518.2); c.-412T>C (NM_001354519.2); c.-761T>C (NM_001354527.2); c.-732T>C (NM_001354528.2); c.-544T>C (NM_001354529.2); c.-646T>C (NM_001354530.2); and 8 more.
Identifiers: ClinVar variation 390548 (VCV000390548.1), dbSNP rs779263891, ClinGen allele CA4814670.
Genomic context (GRCh38, chr8:95,025,045, plus strand): 5'-CGAAGGGCACGCAGTGCCGGCGTCATGGCGGCCTCCGCGCACGGCTCTGTCTGGGGGCCG[T>C]TGCGGCTTGGCATCCCCGGCCTGTGCTGCCGCCGGCCGCCTCTGGGTCTGTACGCGCGCA-3'
Protein context (NP_689629.2, residues 3-23): ASAHGSVWGP[Leu13=]RLGIPGLCCR

ClinVar aggregate classification (germline): Likely benign (1 of 4 stars; one submission).

Allele frequency attached by ClinVar (database versions not stated): ExAC below 0.00001; gnomAD exomes below 0.00001; gnomAD 0.00002; TOPMed 0.00003.
gnomAD v4.1: 5 of 1,417,912 alleles (0.00035%); highest among the groups gnomAD compares: African/African-American, 0.0045%; no homozygotes.

Submission:

GeneDx
Classification: Likely benign. Last evaluated: 2016-11-01. Review status: criteria provided, single submitter. Criteria: GeneDx Variant Classification (06012015). Collection method: clinical testing. Allele origin: germline. Affected: yes.
Comment: This variant is considered likely benign or benign based on one or more of the following criteria: it is a conservative change, it occurs at a poorly conserved position in the protein, it is predicted to be benign by multiple in silico algorithms, and/or has population frequency not consistent with disease.